The following is an entry in ClinVar:

NM_014639.4(SKIC3):c.1129G>C (p.Asp377His)

Gene: SKIC3 (SKI3 subunit of superkiller complex; minus strand). Cytogenetic location: 5q15.
Variant type: single nucleotide variant.
Coding change: c.1129G>C on transcript NM_014639.4 (MANE Select); coding-DNA position 1129, G replaced by C.
Protein change: p.Asp377His; replaces aspartic acid 377 with histidine.
Molecular consequence: missense variant.
Genome position (GRCh38, 1-based): chr5:95,528,018, C>G on the plus strand (G>C on the coding strand, the complement: SKIC3 is on the minus strand). VCF-style: chr5-95528018-C-G. GRCh37 (hg19) VCF-style: chr5-94863722-C-G.
Other names: short protein forms D377H.
Identifiers: ClinVar variation 2092186 (VCV002092186.1), dbSNP rs372344387, ClinGen allele CA3347426.

ClinVar aggregate classification (germline): Uncertain significance (1 of 4 stars; one submission).

Allele frequency attached by ClinVar (database versions not stated): TOPMed below 0.00001; ESP Exome Variant Server 0.00008.
gnomAD v4.1: 3 of 1,613,392 alleles (0.00019%); highest among the groups gnomAD compares: Non-Finnish European, 0.00017%; no homozygotes.

Submission:

Labcorp Genetics (formerly Invitae), Labcorp
Classification: Uncertain significance. Last evaluated: 2022-03-19. Review status: criteria provided, single submitter. Criteria: Invitae Variant Classification Sherloc (09022015). Collection method: clinical testing. Allele origin: germline.
Comment: This sequence change replaces aspartic acid, which is acidic and polar, with histidine, which is basic and polar, at codon 377 of the TTC37 protein (p.Asp377His). This variant is present in population databases (rs372344387, gnomAD 0.01%). This variant has not been reported in the literature in individuals affected with TTC37-related conditions. Algorithms developed to predict the effect of missense changes on protein structure and function (SIFT, PolyPhen-2, Align-GVGD) all suggest that this variant is likely to be tolerated. In summary, the available evidence is currently insufficient to determine the role of this variant in disease. Therefore, it has been classified as a Variant of Uncertain Significance.